The following is an entry in ClinVar:

NM_005592.4(MUSK):c.535A>T (p.Asn179Tyr)

Gene: MUSK (muscle associated receptor tyrosine kinase; plus strand). Cytogenetic location: 9q31.3.
Variant type: single nucleotide variant.
Coding change: c.535A>T on transcript NM_005592.4 (MANE Select); coding-DNA position 535, A replaced by T.
Protein change: p.Asn179Tyr; replaces asparagine 179 with tyrosine.
Molecular consequence: missense variant.
Genome position (GRCh38, 1-based): chr9:110,697,373, A>T. VCF-style: chr9-110697373-A-T. GRCh37 (hg19) VCF-style: chr9-113459653-A-T.
Other names: c.535A>T, p.Asn179Tyr (NM_001166280.2, NM_001166281.2); short protein forms N179Y.
Identifiers: ClinVar variation 476147 (VCV000476147.7), dbSNP rs1554738557, ClinGen allele CA374666276.
Genomic context (GRCh38, chr9:110,697,373, plus strand): 5'-TATCTCTGGCAGGAAAATTCCCGAATTGCAGTTCTTGAATCTGGGAGCTTGAGGATTCAT[A>T]ACGTACAAAAGGAAGATGCAGGACAGTATCGATGTGTGGCAAAAAACAGCCTCGGGACAG-3'
Protein context (NP_005583.1, residues 169-189): VLESGSLRIH[Asn179Tyr]VQKEDAGQYR

ClinVar aggregate classification (germline): Uncertain significance (1 of 4 stars; one submission).

Conditions:
Congenital myasthenic syndrome 9. Also called: Myasthenic syndrome, congenital, 9, associated with acetylcholine receptor deficiency. Identifiers: Orphanet 590, MedGen C4225368, MONDO:0014587, OMIM 616325.
Fetal akinesia deformation sequence 1 (FADS1). Also called: Pena-Shokeir syndrome type I; Fetal akinesia sequence. Identifiers: Orphanet 994, MedGen C1276035, MONDO:0100101, OMIM 208150, HP:0001989.

Submission:

Labcorp Genetics (formerly Invitae), Labcorp
Classification: Uncertain significance for Congenital myasthenic syndrome 9; Fetal akinesia deformation sequence 1. Last evaluated: 2021-08-28. Review status: criteria provided, single submitter. Criteria: Invitae Variant Classification Sherloc (09022015). Collection method: clinical testing. Allele origin: germline.
Comment: This sequence change replaces asparagine with tyrosine at codon 179 of the MUSK protein (p.Asn179Tyr). The asparagine residue is highly conserved and there is a large physicochemical difference between asparagine and tyrosine. This variant is not present in population databases (ExAC no frequency). This variant has not been reported in the literature in individuals affected with MUSK-related conditions. Algorithms developed to predict the effect of missense changes on protein structure and function (SIFT, PolyPhen-2, Align-GVGD) all suggest that this variant is likely to be disruptive. In summary, the available evidence is currently insufficient to determine the role of this variant in disease. Therefore, it has been classified as a Variant of Uncertain Significance.